The following is an entry in ClinVar:

NM_001172509.2(SATB2):c.752G>A (p.Arg251His)

Gene: SATB2 (SATB homeobox 2; minus strand). Cytogenetic location: 2q33.1.
Variant type: single nucleotide variant.
Coding change: c.752G>A on transcript NM_001172509.2 (MANE Select); coding-DNA position 752, G replaced by A.
Protein change: p.Arg251His; replaces arginine 251 with histidine.
Molecular consequence: missense variant.
Genome position (GRCh38, 1-based): chr2:199,349,122, C>T on the plus strand (G>A on the coding strand, the complement: SATB2 is on the minus strand). VCF-style: chr2-199349122-C-T. GRCh37 (hg19) VCF-style: chr2-200213845-C-T.
Other names: c.752G>A (NM_015265.3); c.752G>A, p.Arg251His (NM_001172517.1, NM_015265.4); short protein forms R251H.
Identifiers: ClinVar variation 1168408 (VCV001168408.10), dbSNP rs2105823583, ClinGen allele CA350388217.

ClinVar aggregate classification (germline): Conflicting classifications of pathogenicity. Review status: criteria provided, conflicting classifications (1 of 4 stars). 2 submissions from 2 submitters: Uncertain significance (1); Benign (1). Last evaluated 2022-12-07.

Conditions:
Chromosome 2q32-q33 deletion syndrome (GLASS). Also called: Glass syndrome; 2q33.1 deletion syndrome. Identifiers: Orphanet 251019, MedGen C2676739, MONDO:0012864, OMIM 612313.

Allele frequency attached by ClinVar (database versions not stated): gnomAD exomes 0.00001.
gnomAD v4.1: 7 of 1,613,864 alleles (0.00043%); highest among the groups gnomAD compares: Non-Finnish European, 0.00059%; no homozygotes.

Submissions (2):

GeneDx
Classification: Uncertain significance. Last evaluated: 2022-12-07. Review status: criteria provided, single submitter. Criteria: GeneDx Variant Classification Process June 2021. Collection method: clinical testing. Allele origin: germline. Affected: yes.
Comment: Not observed at significant frequency in large population cohorts (gnomAD); In silico analysis supports that this missense variant does not alter protein structure/function; Has not been previously published as pathogenic or benign to our knowledge

Labcorp Genetics (formerly Invitae), Labcorp
Classification: Benign for Chromosome 2q32-q33 deletion syndrome. Last evaluated: 2022-09-07. Review status: criteria provided, single submitter. Criteria: Invitae Variant Classification Sherloc (09022015). Collection method: clinical testing. Allele origin: germline.